The following is an entry in ClinVar:

NM_000548.5(TSC2):c.4989+7G>C

Gene: TSC2 (TSC complex subunit 2; plus strand). Cytogenetic location: 16p13.3.
Variant type: single nucleotide variant.
Coding change: c.4989+7G>C on transcript NM_000548.5 (MANE Select); 7 bases into the intron after coding-DNA position 4989, G replaced by C.
Molecular consequence: intron variant.
Genome position (GRCh38, 1-based): chr16:2,086,878, G>C. VCF-style: chr16-2086878-G-C. GRCh37 (hg19) VCF-style: chr16-2136879-G-C.
Other names: c.4860+7G>C (NM_001370405.1, NM_021055.3); c.4680+7G>C (NM_001318827.2); c.4257+7G>C (NM_001318831.2); c.4644+7G>C (NM_001318829.2); c.4821+7G>C (NM_001318832.2); c.4791+7G>C (NM_001363528.2); c.4857+7G>C (NM_001370404.1); c.4788+7G>C (NM_001077183.3); and 1 more.
Identifiers: ClinVar variation 1692507 (VCV001692507.5), dbSNP rs1460236999, ClinGen allele CA2573151960.

ClinVar aggregate classification (germline): Conflicting classifications of pathogenicity. Review status: criteria provided, conflicting classifications (1 of 4 stars). 3 submissions from 3 submitters: Uncertain significance (1); Likely benign (2). Last evaluated 2025-06-05.

Conditions:
Hereditary cancer-predisposing syndrome. Also called: Neoplastic Syndromes, Hereditary; Hereditary Cancer Syndrome; Tumor predisposition; Hereditary neoplastic syndrome. Identifiers: Orphanet 140162, MedGen C0027672, MeSH D009386, MONDO:0015356.
Tuberous sclerosis 2 (TSC2). Identifiers: Orphanet 805, MedGen C1860707, MONDO:0013199, OMIM 613254.

Submissions (3):

Myriad Genetics, Inc.
Classification: Likely benign for Tuberous sclerosis 2. Last evaluated: 2025-06-05. Review status: criteria provided, single submitter. Criteria: Myriad Autosomal Dominant, Autosomal Recessive and X-Linked Classification Criteria (2023). Collection method: clinical testing. Allele origin: unknown.
Comment: This variant is considered likely benign. This variant is intronic and is not expected to impact mRNA splicing.

Labcorp Genetics (formerly Invitae), Labcorp
Classification: Likely benign for Tuberous sclerosis 2. Last evaluated: 2023-03-31. Review status: criteria provided, single submitter. Criteria: Invitae Variant Classification Sherloc (09022015). Collection method: clinical testing. Allele origin: germline.

Sema4
Classification: Uncertain significance for Hereditary cancer-predisposing syndrome. Last evaluated: 2021-09-16. Review status: criteria provided, single submitter. Criteria: Sema4 Curation Guidelines. Collection method: curation. Allele origin: germline.
Comment: The TSC2 c.4989+7G>C variant has not been reported in the literature to our knowledge. It was not observed in the large and broad cohorts of the Genome Aggregation Database (PMID: 32461654). The variant has not been reported in ClinVar. In silico tools suggest that the variant does not impact splicing, though these predictions have not been confirmed by functional studies. The evidence is insufficient to meet ACMG/AMP criteria for classifying the variant as benign or pathogenic. Thus, the clinical significance of this variant is currently uncertain.